The following is an entry in ClinVar:

ClinVar aggregate classification (germline): Uncertain significance. Review status: criteria provided, multiple submitters, no conflicts (2 of 4 stars). 3 submissions from 3 submitters: Uncertain significance (3). Last evaluated 2026-04-16.

Conditions:
Inborn genetic diseases. Identifiers: MedGen C0950123, MeSH D030342.
Developmental and epileptic encephalopathy, 1 (DEE1). Also called: X-linked infantile spasms; West's syndrome; Tonic spasms with clustering, arrest of psychomotor development and hypsarrhythmia on EEG; X-Linked Infantile Spasm Syndrome; OHTAHARA SYNDROME, X-LINKED; INFANTILE SPASM SYNDROME, X-LINKED 1. Identifiers: MedGen C3463992, MONDO:0010632, OMIM 308350. Disease mechanism: loss of function.
Autosomal dominant nonsyndromic hearing loss 65. Also called: Deafness, autosomal dominant 65; TBC1D24-Related Autosomal Dominant Nonsyndromic Hearing Loss (DFNA). Identifiers: Orphanet 90635, MedGen C3892048, MONDO:0014470, OMIM 616044.

Allele frequency attached by ClinVar (database versions not stated): gnomAD exomes below 0.00001; ExAC 0.00001.
gnomAD v4.1: 16 of 1,614,108 alleles (0.00099%); highest among the groups gnomAD compares: Non-Finnish European, 0.0014%; no homozygotes.

Submissions (3):

Ambry Genetics
Classification: Uncertain significance for Inborn genetic diseases. Last evaluated: 2026-04-16. Review status: criteria provided, single submitter. Criteria: Ambry Variant Classification Scheme 2023. Collection method: clinical testing. Allele origin: germline.
Comment: The c.750C>G (p.F250L) alteration is located in exon 2 (coding exon 1) of the TBC1D24 gene. This alteration results from a C to G substitution at nucleotide position 750, causing the phenylalanine (F) at amino acid position 250 to be replaced by a leucine (L). Based on data from gnomAD, the G allele has an overall frequency of <0.001% (1/249432) total alleles studied. The highest observed frequency was 0.001% (1/113176) of European (non-Finnish) alleles. Based on insufficient or conflicting evidence, the clinical significance of this alteration remains unclear.

Labcorp Genetics (formerly Invitae), Labcorp
Classification: Uncertain significance for Developmental and epileptic encephalopathy, 1; Autosomal dominant nonsyndromic hearing loss 65. Last evaluated: 2024-07-01. Review status: criteria provided, single submitter. Criteria: Invitae Variant Classification Sherloc (09022015). Collection method: clinical testing. Allele origin: germline.
Comment: This sequence change replaces phenylalanine, which is neutral and non-polar, with leucine, which is neutral and non-polar, at codon 250 of the TBC1D24 protein (p.Phe250Leu). This variant is present in population databases (no rsID available, gnomAD 0.0009%). This variant has not been reported in the literature in individuals affected with TBC1D24-related conditions. ClinVar contains an entry for this variant (Variation ID: 1187875). Advanced modeling of protein sequence and biophysical properties (such as structural, functional, and spatial information, amino acid conservation, physicochemical variation, residue mobility, and thermodynamic stability) performed at Invitae indicates that this missense variant is not expected to disrupt TBC1D24 protein function with a negative predictive value of 80%. In summary, the available evidence is currently insufficient to determine the role of this variant in disease. Therefore, it has been classified as a Variant of Uncertain Significance.

GeneDx
Classification: Uncertain significance. Last evaluated: 2024-02-28. Review status: criteria provided, single submitter. Criteria: GeneDx Variant Classification Process June 2021. Collection method: clinical testing. Allele origin: germline. Affected: yes.
Comment: In silico analysis supports that this missense variant does not alter protein structure/function; Has not been previously published as pathogenic or benign to our knowledge; Not observed at significant frequency in large population cohorts (gnomAD)

NM_001199107.2(TBC1D24):c.750C>G (p.Phe250Leu)

Gene: TBC1D24 (TBC1 domain family member 24; plus strand). Cytogenetic location: 16p13.3.
Variant type: single nucleotide variant.
Coding change: c.750C>G on transcript NM_001199107.2 (MANE Select); coding-DNA position 750, C replaced by G.
Protein change: p.Phe250Leu; replaces phenylalanine 250 with leucine.
Molecular consequence: missense variant.
Genome position (GRCh38, 1-based): chr16:2,496,898, C>G. VCF-style: chr16-2496898-C-G. GRCh37 (hg19) VCF-style: chr16-2546899-C-G.
Other names: c.750C>G, p.Phe250Leu (NM_020705.3); short protein forms F250L.
Identifiers: ClinVar variation 1187875 (VCV001187875.7), dbSNP rs1555501289, ClinGen allele CA7844058.